The following is an entry in ClinVar:

NM_001458.5(FLNC):c.1210+7C>T

Gene: FLNC (filamin C; plus strand). Cytogenetic location: 7q32.1.
Variant type: single nucleotide variant.
Coding change: c.1210+7C>T on transcript NM_001458.5 (MANE Select); 7 bases into the intron after coding-DNA position 1210, C replaced by T.
Molecular consequence: intron variant.
Genome position (GRCh38, 1-based): chr7:128,838,436, C>T. VCF-style: chr7-128838436-C-T. GRCh37 (hg19) VCF-style: chr7-128478490-C-T.
Other names: c.1210+7C>T (NM_001127487.2).
Identifiers: ClinVar variation 471962 (VCV000471962.13), dbSNP rs776554557, ClinGen allele CA4474261.

ClinVar aggregate classification (germline): Likely benign. Review status: criteria provided, multiple submitters, no conflicts (2 of 4 stars). 4 submissions from 4 submitters: Likely benign (4). Last evaluated 2025-04-26.

Conditions:
Myofibrillar myopathy 5. Also called: FILAMINOPATHY, AUTOSOMAL DOMINANT; Filaminopathy (type). Identifiers: Orphanet 171445, MedGen C1836050, MONDO:0012289, OMIM 609524.
Hypertrophic cardiomyopathy 26. Also called: Cardiomyopathy, familial hypertrophic, 26. Identifiers: Orphanet 75249, MedGen C4310749, MONDO:0014883, OMIM 617047.
Distal myopathy with posterior leg and anterior hand involvement. Also called: WILLIAMS DISTAL MYOPATHY. Identifiers: Orphanet 63273, MedGen C3279722, MONDO:0013550, OMIM 614065.
FLNC-related disorder. Also called: FLNC-related disorders; FLNC-related condition.

Allele frequency attached by ClinVar (database versions not stated): gnomAD exomes below 0.00001; ExAC 0.00001; TOPMed 0.00002.
gnomAD v4.1: 13 of 1,534,816 alleles (0.00085%); highest among the groups gnomAD compares: Middle Eastern, 0.018%; no homozygotes.

Submissions (4):

Labcorp Genetics (formerly Invitae), Labcorp
Classification: Likely benign for Distal myopathy with posterior leg and anterior hand involvement; Myofibrillar myopathy 5; Hypertrophic cardiomyopathy 26. Last evaluated: 2025-04-26. Review status: criteria provided, single submitter. Criteria: Invitae Variant Classification Sherloc (09022015). Collection method: clinical testing. Allele origin: germline.

PreventionGenetics, part of Exact Sciences
Classification: Likely benign for FLNC-related condition. Last evaluated: 2025-04-04. Review status: criteria provided, single submitter. Criteria: ACMG Guidelines, 2015. Collection method: clinical testing. Allele origin: germline.
Comment: This variant is classified as likely benign based on ACMG/AMP sequence variant interpretation guidelines (Richards et al. 2015 PMID: 25741868, with internal and published modifications).

ARUP Laboratories, Molecular Genetics and Genomics, ARUP Laboratories
Classification: Likely benign. Last evaluated: 2024-12-24. Review status: criteria provided, single submitter. Criteria: ARUP Molecular Germline Variant Investigation Process 2024. Collection method: clinical testing. Allele origin: germline.

Blueprint Genetics
Classification: Likely benign. Last evaluated: 2024-10-21. Review status: criteria provided, single submitter. Criteria: ACMG Guidelines, 2015. Collection method: clinical testing. Allele origin: germline.